The following is an entry in ClinVar:

NM_004448.4(ERBB2):c.1837A>G (p.Ile613Val)

Gene: ERBB2 (erb-b2 receptor tyrosine kinase 2; plus strand). Cytogenetic location: 17q12.
Variant type: single nucleotide variant.
Coding change: c.1837A>G on transcript NM_004448.4 (MANE Select); coding-DNA position 1837, A replaced by G.
Protein change: p.Ile613Val; replaces isoleucine 613 with valine.
Molecular consequence: missense variant. On other transcripts: non-coding transcript variant (1), intron variant (1).
Genome position (GRCh38, 1-based): chr17:39,717,419, A>G. VCF-style: chr17-39717419-A-G. GRCh37 (hg19) VCF-style: chr17-37873672-A-G.
Other names: c.1747A>G, p.Ile583Val (NM_001005862.3, NM_001289938.2, NM_001382782.1 and 1 more transcripts); c.1792A>G, p.Ile598Val (NM_001289936.2); c.1837A>G, p.Ile613Val (NM_001289937.2, NM_001382792.1, NM_001382793.1 and 9 more transcripts); c.1954A>G, p.Ile652Val (NM_001382784.1, NM_001382786.1); c.1939A>G, p.Ile647Val (NM_001382785.1); c.1912A>G, p.Ile638Val (NM_001382787.1); c.1867A>G, p.Ile623Val (NM_001382788.1); c.1858A>G, p.Ile620Val (NM_001382789.1); and 6 more; short protein forms I337V, I527V, I613V, I638V, I647V, I553V, I583V, I612V.
Identifiers: ClinVar variation 1405118 (VCV001405118.8), dbSNP rs2145710211, ClinGen allele CA399295761.

ClinVar aggregate classification (germline): Uncertain significance (1 of 4 stars; one submission).

Allele frequency attached by ClinVar (database versions not stated): gnomAD exomes below 0.00001.

Submission:

Labcorp Genetics (formerly Invitae), Labcorp
Classification: Uncertain significance. Last evaluated: 2024-01-22. Review status: criteria provided, single submitter. Criteria: Invitae Variant Classification Sherloc (09022015). Collection method: clinical testing. Allele origin: germline.
Comment: This sequence change replaces isoleucine, which is neutral and non-polar, with valine, which is neutral and non-polar, at codon 613 of the ERBB2 protein (p.Ile613Val). This variant is not present in population databases (gnomAD no frequency). This variant has not been reported in the literature in individuals affected with ERBB2-related conditions. ClinVar contains an entry for this variant (Variation ID: 1405118). Advanced modeling of protein sequence and biophysical properties (such as structural, functional, and spatial information, amino acid conservation, physicochemical variation, residue mobility, and thermodynamic stability) performed at Invitae indicates that this missense variant is not expected to disrupt ERBB2 protein function with a negative predictive value of 80%. In summary, the available evidence is currently insufficient to determine the role of this variant in disease. Therefore, it has been classified as a Variant of Uncertain Significance.